The following is an entry in ClinVar:

ClinVar aggregate classification (germline): Uncertain significance. Review status: criteria provided, multiple submitters, no conflicts (2 of 4 stars). 2 submissions from 2 submitters: Uncertain significance (2). Last evaluated 2024-03-11.

Conditions:
Cardiovascular phenotype. Identifiers: MedGen CN230736.
Hereditary cancer-predisposing syndrome. Also called: Tumor predisposition; Hereditary Cancer Syndrome; Neoplastic Syndromes, Hereditary; Hereditary neoplastic syndrome. Identifiers: Orphanet 140162, MedGen C0027672, MeSH D009386, MONDO:0015356.

Submissions (2):

Ambry Genetics
Classification: Uncertain significance for Cardiovascular phenotype; Hereditary cancer-predisposing syndrome. Last evaluated: 2024-03-11. Review status: criteria provided, single submitter. Criteria: Ambry Variant Classification Scheme 2023. Collection method: clinical testing. Allele origin: germline.
Comment: The p.L146V variant (also known as c.436T>G), located in coding exon 5 of the LZTR1 gene, results from a T to G substitution at nucleotide position 436. The leucine at codon 146 is replaced by valine, an amino acid with highly similar properties. This amino acid position is highly conserved in available vertebrate species. In addition, this alteration is predicted to be tolerated by in silico analysis. Based on the available evidence, the clinical significance of this alteration remains unclear.

Women's Health and Genetics/Laboratory Corporation of America, LabCorp
Classification: Uncertain significance. Last evaluated: 2021-12-06. Review status: criteria provided, single submitter. Criteria: LabCorp Variant Classification Summary - May 2015. Collection method: clinical testing. Allele origin: germline.
Comment: Variant summary: LZTR1 c.436T>G (p.Leu146Val) results in a conservative amino acid change in the encoded protein sequence. Three of five in-silico tools predict a damaging effect of the variant on protein function. The variant was absent in 251348 control chromosomes (gnomAD). The available data on variant occurrences in the general population are insufficient to allow any conclusion about variant significance. To our knowledge, no occurrence of c.436T>G in individuals affected with Noonan Syndrome and no experimental evidence demonstrating its impact on protein function have been reported. No clinical diagnostic laboratories have submitted clinical-significance assessments for this variant to ClinVar after 2014. Based on the evidence outlined above, the variant was classified as uncertain significance.

NM_006767.4(LZTR1):c.436T>G (p.Leu146Val)

Gene: LZTR1 (leucine zipper like post translational regulator 1; plus strand). Cytogenetic location: 22q11.21.
Variant type: single nucleotide variant.
Coding change: c.436T>G on transcript NM_006767.4 (MANE Select); coding-DNA position 436, T replaced by G.
Protein change: p.Leu146Val; replaces leucine 146 with valine.
Molecular consequence: missense variant.
Genome position (GRCh38, 1-based): chr22:20,988,045, T>G. VCF-style: chr22-20988045-T-G. GRCh37 (hg19) VCF-style: chr22-21342334-T-G.
Other names: short protein forms L146V.
Identifiers: ClinVar variation 1331364 (VCV001331364.2), dbSNP rs1555927611, ClinGen allele CA410779759.